The following is an entry in ClinVar:

NM_170606.3(KMT2C):c.849A>C (p.Glu283Asp)

Gene: KMT2C (lysine methyltransferase 2C; minus strand). Cytogenetic location: 7q36.1.
Variant type: single nucleotide variant.
Coding change: c.849A>C on transcript NM_170606.3 (MANE Select); coding-DNA position 849, A replaced by C.
Protein change: p.Glu283Asp; replaces glutamic acid 283 with aspartic acid.
Molecular consequence: missense variant.
Genome position (GRCh38, 1-based): chr7:152,309,966, T>G on the plus strand (A>C on the coding strand, the complement: KMT2C is on the minus strand). VCF-style: chr7-152309966-T-G. GRCh37 (hg19) VCF-style: chr7-152007051-T-G.
Other names: short protein forms E283D.
Identifiers: ClinVar variation 3773897 (VCV003773897.1).

ClinVar aggregate classification (germline): Uncertain significance (1 of 4 stars; one submission).

Submission:

GeneDx
Classification: Uncertain significance. Last evaluated: 2024-09-23. Review status: criteria provided, single submitter. Criteria: GeneDx Variant Classification Process June 2021. Collection method: clinical testing. Allele origin: germline. Affected: yes.
Comment: Not observed at significant frequency in large population cohorts (gnomAD); In silico analysis indicates that this missense variant does not alter protein structure/function; Has not been previously published as pathogenic or benign to our knowledge